The following is an entry in ClinVar:

ClinVar aggregate classification (germline): Uncertain significance (1 of 4 stars; one submission).

Allele frequency attached by ClinVar (database versions not stated): gnomAD exomes below 0.00001.

Submission:

Labcorp Genetics (formerly Invitae), Labcorp
Classification: Uncertain significance. Last evaluated: 2023-12-30. Review status: criteria provided, single submitter. Criteria: Invitae Variant Classification Sherloc (09022015). Collection method: clinical testing. Allele origin: germline.
Comment: This sequence change replaces threonine, which is neutral and polar, with alanine, which is neutral and non-polar, at codon 899 of the SAMD9L protein (p.Thr899Ala). This variant is not present in population databases (gnomAD no frequency). This variant has not been reported in the literature in individuals affected with SAMD9L-related conditions. Advanced modeling of protein sequence and biophysical properties (such as structural, functional, and spatial information, amino acid conservation, physicochemical variation, residue mobility, and thermodynamic stability) performed at Invitae indicates that this missense variant is not expected to disrupt SAMD9L protein function with a negative predictive value of 80%. In summary, the available evidence is currently insufficient to determine the role of this variant in disease. Therefore, it has been classified as a Variant of Uncertain Significance.

NM_152703.5(SAMD9L):c.2695A>G (p.Thr899Ala)

Gene: SAMD9L (sterile alpha motif domain containing 9 like; minus strand). Cytogenetic location: 7q21.2.
Variant type: single nucleotide variant.
Coding change: c.2695A>G on transcript NM_152703.5 (MANE Select); coding-DNA position 2695, A replaced by G.
Protein change: p.Thr899Ala; replaces threonine 899 with alanine.
Molecular consequence: missense variant.
Genome position (GRCh38, 1-based): chr7:93,133,277, T>C on the plus strand (A>G on the coding strand, the complement: SAMD9L is on the minus strand). VCF-style: chr7-93133277-T-C. GRCh37 (hg19) VCF-style: chr7-92762590-T-C.
Other names: c.2695A>G, p.Thr899Ala (NM_001350085.2, NM_001303496.3, NM_001303497.3 and 5 more transcripts); short protein forms T899A.
Identifiers: ClinVar variation 2706564 (VCV002706564.3), dbSNP rs997017070, ClinGen allele CA161960116.